The following is an entry in ClinVar:

ClinVar aggregate classification (germline): Likely pathogenic (1 of 4 stars; one submission).

Conditions:
Junctional epidermolysis bullosa gravis of Herlitz. Also called: Herlitz-type junctional epidermolysis bullosa; EPIDERMOLYSIS BULLOSA, JUNCTIONAL 1B, SEVERE; EPIDERMOLYSIS BULLOSA JUNCTIONALIS, HERLITZ TYPE; EPIDERMOLYSIS BULLOSA, JUNCTIONAL, HERLITZ-PEARSON TYPE; JEB-HERLITZ TYPE; Epidermolysis Bullosa Letalis. Identifiers: Orphanet 79404, MedGen C0079683, MONDO:0009182, OMIM 226700.

Submission:

Myriad Genetics, Inc.
Classification: Likely pathogenic for Junctional epidermolysis bullosa gravis of Herlitz. Last evaluated: 2021-12-17. Review status: criteria provided, single submitter. Criteria: Myriad Women's Health Autosomal Recessive and X-Linked Classification Criteria (2021). Collection method: clinical testing. Allele origin: unknown.
Comment: NM_005562.2(LAMC2):c.2748_2752del5ins4(R917Efs*22) is expected to be pathogenic in the context of junctional epidermolysis bullosa, LAMC2-related. This variant is predicted to lead to an abnormal or absent protein product due to the creation of a premature termination codon in LAMC2, a gene where loss-of-function variants are known to be pathogenic. Please note: this variant was assessed in the context of healthy population screening.

NM_005562.3(LAMC2):c.2748_2752delinsAGAA (p.Arg917fs)

Gene: LAMC2 (laminin subunit gamma 2; plus strand). Cytogenetic location: 1q25.3.
Variant type: Indel.
Coding change: c.2748_2752delinsAGAA on transcript NM_005562.3 (MANE Select); coding-DNA positions 2748 to 2752, GAGAG replaced by AGAA.
Protein change: p.Arg917fs; shifts the reading frame from arginine 917.
Molecular consequence: frameshift variant.
Genome position (GRCh38, 1-based): chr1:183,237,498-183,237,502, GAGAG replaced by AGAA. VCF-style: chr1-183237498-GAGAG-AGAA. GRCh37 (hg19) VCF-style: chr1-183206633-GAGAG-AGAA.
Other names: c.2748_2752delinsAGAA, p.Arg917fs (NM_018891.3); short protein forms R917fs.
Identifiers: ClinVar variation 1726479 (VCV001726479.2), dbSNP rs2526118615, ClinGen allele CA2580061616.